The following is an entry in ClinVar:

ClinVar aggregate classification (germline): Uncertain significance (1 of 4 stars; one submission).

Submission:

GeneDx
Classification: Uncertain significance. Last evaluated: 2024-11-20. Review status: criteria provided, single submitter. Criteria: GeneDx Variant Classification Process June 2021. Collection method: clinical testing. Allele origin: germline. Affected: yes.
Comment: Not observed at significant frequency in large population cohorts (gnomAD); In silico analysis supports that this missense variant has a deleterious effect on protein structure/function; Has not been previously published as pathogenic or benign to our knowledge

NM_139137.4(KCNC2):c.1219G>C (p.Gly407Arg)

Gene: KCNC2 (potassium voltage-gated channel subfamily C member 2; minus strand). Cytogenetic location: 12q21.1.
Variant type: single nucleotide variant.
Coding change: c.1219G>C on transcript NM_139137.4 (MANE Select); coding-DNA position 1219, G replaced by C.
Protein change: p.Gly407Arg; replaces glycine 407 with arginine.
Molecular consequence: missense variant. On other transcripts: non-coding transcript variant (1).
Genome position (GRCh38, 1-based): chr12:75,050,786, C>G on the plus strand (G>C on the coding strand, the complement: KCNC2 is on the minus strand). VCF-style: chr12-75050786-C-G. GRCh37 (hg19) VCF-style: chr12-75444566-C-G.
Other names: c.1219G>C, p.Gly407Arg (NM_001260497.2, NM_001260498.2, NM_001260499.2 and 13 more transcripts); short protein forms G407R.
Identifiers: ClinVar variation 3900496 (VCV003900496.1).